The following is an entry in ClinVar:

NC_000007.13:g.(?_50605538)_(50611783_?)del

Gene: DDC (dopa decarboxylase; minus strand). Cytogenetic location: 7p12.1.
Variant type: Deletion.
Identifiers: ClinVar variation 2423397 (VCV002423397.3).

ClinVar aggregate classification (germline): Pathogenic (1 of 4 stars; one submission).

Conditions:
Deficiency of aromatic-L-amino-acid decarboxylase. Also called: Aromatic L-Amino Acid Decarboxylase Deficiency; AADC DEFICIENCY; DDC DEFICIENCY; DOPA DECARBOXYLASE DEFICIENCY; Aromatic amino acid decarboxylase deficiency. Identifiers: Orphanet 35708, MedGen C1291564, MONDO:0012084, OMIM 608643.

Submission:

Labcorp Genetics (formerly Invitae), Labcorp
Classification: Pathogenic for Deficiency of aromatic-L-amino-acid decarboxylase. Last evaluated: 2022-01-21. Review status: criteria provided, single submitter. Criteria: Invitae Variant Classification Sherloc (09022015). Collection method: clinical testing. Allele origin: germline.
Comment: For these reasons, this variant has been classified as Pathogenic. This variant has not been reported in the literature in individuals affected with DDC-related conditions. This variant is a gross deletion of the genomic region encompassing exon(s) 2-4 of the DDC gene, which includes the initiator codon. This deletion extends beyond the assayed region for this gene and therefore may encompass additional genes. It is expected to result in an absent or disrupted protein product. Loss-of-function variants in DDC are known to be pathogenic (PMID: 15079002, 24788355).

Literature cited by the submitters: PubMed 15079002; PubMed 24788355.